The following is an entry in ClinVar:

NM_000632.4(ITGAM):c.502C>T (p.Arg168Trp)

Gene: ITGAM (integrin subunit alpha M; plus strand). Cytogenetic location: 16p11.2.
Variant type: single nucleotide variant.
Coding change: c.502C>T on transcript NM_000632.4 (MANE Select); coding-DNA position 502, C replaced by T.
Protein change: p.Arg168Trp; replaces arginine 168 with tryptophan.
Molecular consequence: missense variant.
Genome position (GRCh38, 1-based): chr16:31,271,028, C>T. VCF-style: chr16-31271028-C-T. GRCh37 (hg19) VCF-style: chr16-31282349-C-T.
Other names: c.502C>T, p.Arg168Trp (NM_001145808.2); short protein forms R168W.
Identifiers: ClinVar variation 1389435 (VCV001389435.8), dbSNP rs776216667, ClinGen allele CA8025246.

ClinVar aggregate classification (germline): Uncertain significance (1 of 4 stars; one submission).

Allele frequency attached by ClinVar (database versions not stated): gnomAD 0.00001; gnomAD exomes 0.00002 and 0.00004; ExAC 0.00006; 1000 Genomes Project 30x 0.00016.
gnomAD v4.1: 29 of 1,582,694 alleles (0.0018%); highest among the groups gnomAD compares: South Asian, 0.013%; no homozygotes.

Submission:

Labcorp Genetics (formerly Invitae), Labcorp
Classification: Uncertain significance. Last evaluated: 2024-01-13. Review status: criteria provided, single submitter. Criteria: Invitae Variant Classification Sherloc (09022015). Collection method: clinical testing. Allele origin: germline.
Comment: This sequence change replaces arginine, which is basic and polar, with tryptophan, which is neutral and slightly polar, at codon 168 of the ITGAM protein (p.Arg168Trp). This variant is present in population databases (rs776216667, gnomAD 0.02%). This variant has not been reported in the literature in individuals affected with ITGAM-related conditions. ClinVar contains an entry for this variant (Variation ID: 1389435). An algorithm developed to predict the effect of missense changes on protein structure and function (PolyPhen-2) suggests that this variant is likely to be disruptive. In summary, the available evidence is currently insufficient to determine the role of this variant in disease. Therefore, it has been classified as a Variant of Uncertain Significance.